The following is an entry in ClinVar:

ClinVar aggregate classification (germline): Conflicting classifications of pathogenicity. Review status: criteria provided, conflicting classifications (1 of 4 stars). 7 submissions from 7 submitters: Uncertain significance (1); Benign (1); Likely benign (4). 1 of the submissions does not count toward it. Last evaluated 2026-01-25.

Conditions:
DSP-related disorder. Also called: DSP-related condition; DSP-related disorders.
Cardiovascular phenotype. Identifiers: MedGen CN230736.
Arrhythmogenic right ventricular dysplasia 8 (ARVD8). Also called: ARRHYTHMOGENIC RIGHT VENTRICULAR DYSPLASIA, FAMILIAL, 8; ARRHYTHMOGENIC RIGHT VENTRICULAR CARDIOMYOPATHY 8; Arrhythmogenic Right Ventricular Dysplasia/Cardiomyopathy 8. Identifiers: MedGen C1843896, MONDO:0011831, OMIM 607450.
Arrhythmogenic cardiomyopathy with wooly hair and keratoderma. Also called: Dilated cardiomyopathy with woolly hair and keratoderma; Arrhythmogenic cardiomyopathy with woolly hair and keratoderma; PALMOPLANTAR KERATODERMA WITH LEFT VENTRICULAR CARDIOMYOPATHY AND WOOLLY HAIR; Carvajal syndrome. Identifiers: Orphanet 65282, MedGen C1854063, MONDO:0011581, OMIM 605676.
Cardiomyopathy (CMYO). Also called: Cardiomyopathies. Identifiers: Orphanet 167848, MedGen C0878544, MONDO:0004994, HP:0001638. Inheritance: Various modes of inheritance.

Allele frequency attached by ClinVar (database versions not stated): 1000 Genomes Project 30x 0.00031; 1000 Genomes Project 0.00040; TOPMed 0.00041.
gnomAD v4.1: 260 of 1,563,982 alleles (0.017%); highest among the groups gnomAD compares: Admixed American, 0.49%; no homozygotes.

Submissions (7):

Labcorp Genetics (formerly Invitae), Labcorp
Classification: Benign for Arrhythmogenic cardiomyopathy with wooly hair and keratoderma; Arrhythmogenic right ventricular dysplasia 8. Last evaluated: 2026-01-25. Review status: criteria provided, single submitter. Criteria: Invitae Variant Classification Sherloc (09022015). Collection method: clinical testing. Allele origin: germline.

Women's Health and Genetics/Laboratory Corporation of America, LabCorp
Classification: Likely benign. Last evaluated: 2022-02-05. Review status: criteria provided, single submitter. Criteria: LabCorp Variant Classification Summary - May 2015. Collection method: clinical testing. Allele origin: germline.

Ambry Genetics
Classification: Likely benign for Cardiovascular phenotype. Last evaluated: 2019-05-08. Review status: criteria provided, single submitter. Criteria: Ambry Variant Classification Scheme 2023. Collection method: clinical testing. Allele origin: germline.

GeneDx
Classification: Likely benign. Last evaluated: 2018-09-14. Review status: criteria provided, single submitter. Criteria: GeneDx Variant Classification (06012015). Collection method: clinical testing. Allele origin: germline. Affected: yes.
Comment: This variant is considered likely benign or benign based on one or more of the following criteria: it is a conservative change, it occurs at a poorly conserved position in the protein, it is predicted to be benign by multiple in silico algorithms, and/or has population frequency not consistent with disease.

Color Diagnostics, LLC DBA Color Health
Classification: Likely benign for Cardiomyopathy. Last evaluated: 2018-03-16. Review status: criteria provided, single submitter. Criteria: ACMG Guidelines, 2015. Collection method: clinical testing. Allele origin: germline.

Laboratory for Molecular Medicine, Mass General Brigham Personalized Medicine
Classification: Uncertain significance. Last evaluated: 2012-10-19. Review status: criteria provided, single submitter. Criteria: LMM Criteria. Collection method: clinical testing. Allele origin: germline. Observed: 1 variant allele.
Comment: The Ser53Ala variant in DSP has not been reported in the literature nor previous ly identified by our laboratory. Computational analyses (biochemical amino acid properties, conservation, AlignGVGD, PolyPhen2, and SIFT) do not provide strong support for or against an impact to the protein. Additional information is neede d to fully assess the clinical significance of the Ser53Ala variant.

PreventionGenetics, part of Exact Sciences
Classification: Benign for DSP-related condition. Last evaluated: 2020-04-15. Review status: no assertion criteria provided. Collection method: clinical testing. Allele origin: germline. Not counted in ClinVar's aggregate classification.
Comment: This variant is classified as benign based on ACMG/AMP sequence variant interpretation guidelines (Richards et al. 2015 PMID: 25741868, with internal and published modifications).

NM_004415.4(DSP):c.157T>G (p.Ser53Ala)

Genes: DSP-AS1 (DSP antisense RNA 1; minus strand), DSP (desmoplakin; plus strand). Cytogenetic location: 6p24.3.
Variant type: single nucleotide variant.
Coding change: c.157T>G on transcript NM_004415.4 (MANE Select); coding-DNA position 157, T replaced by G.
Protein change: p.Ser53Ala; replaces serine 53 with alanine.
Molecular consequence: missense variant.
Genome position (GRCh38, 1-based): chr6:7,542,072, T>G. VCF-style: chr6-7542072-T-G. GRCh37 (hg19) VCF-style: chr6-7542305-T-G.
Other names: c.157T>G, p.Ser53Ala (NM_001008844.3, NM_001319034.2); short protein forms S53A.
Identifiers: ClinVar variation 44864 (VCV000044864.23), dbSNP rs397516918, ClinGen allele CA005034.